The following is an entry in ClinVar:

NM_001166114.2(PNPLA6):c.3876G>C (p.Glu1292Asp)

Gene: PNPLA6 (patatin like domain 6, lysophospholipase; plus strand). Cytogenetic location: 19p13.2.
Variant type: single nucleotide variant.
Coding change: c.3876G>C on transcript NM_001166114.2 (MANE Select); coding-DNA position 3876, G replaced by C.
Protein change: p.Glu1292Asp; replaces glutamic acid 1292 with aspartic acid.
Molecular consequence: missense variant.
Genome position (GRCh38, 1-based): chr19:7,561,073, G>C. VCF-style: chr19-7561073-G-C. GRCh37 (hg19) VCF-style: chr19-7625959-G-C.
Other names: c.3906G>C, p.Glu1302Asp (NM_001166111.2); c.3681G>C, p.Glu1227Asp (NM_001166112.2); c.3762G>C, p.Glu1254Asp (NM_001166113.1, NM_006702.5); short protein forms E1227D, E1254D, E1292D, E1302D.
Identifiers: ClinVar variation 1715400 (VCV001715400.5), dbSNP rs772809227, ClinGen allele CA9140617.
Genomic context (GRCh38, chr19:7,561,073, plus strand): 5'-GGTGCTTGCCTTCCCAAGCTCTGGCTTCACTGACTTGGCAGAGATTGTGTCCCGGATTGA[G>C]CCCCCCACGAGCTATGTCTCTGATGGCTGTGCTGACGGTGAGGGGCCCAGGGGACCCCCC-3'
Protein context (NP_001159586.1, residues 1282-1302): TDLAEIVSRI[Glu1292Asp]PPTSYVSDGC

ClinVar aggregate classification (germline): Uncertain significance (1 of 4 stars; one submission).

Conditions:
Hereditary spastic paraplegia 39 (SPG39). Also called: SPASTIC PARAPLEGIA 39, AUTOSOMAL RECESSIVE; Spastic Paraplegia Type 39 (SPG39). Identifiers: Orphanet 139480, MedGen C2677586, MONDO:0012787, OMIM 612020.

Allele frequency attached by ClinVar (database versions not stated): TOPMed below 0.00001; ExAC 0.00001.

Submission:

Labcorp Genetics (formerly Invitae), Labcorp
Classification: Uncertain significance for Hereditary spastic paraplegia 39. Last evaluated: 2022-08-06. Review status: criteria provided, single submitter. Criteria: Invitae Variant Classification Sherloc (09022015). Collection method: clinical testing. Allele origin: germline.
Comment: This sequence change replaces glutamic acid, which is acidic and polar, with aspartic acid, which is acidic and polar, at codon 1254 of the PNPLA6 protein (p.Glu1254Asp). This variant is present in population databases (rs772809227, gnomAD 0.007%). This variant has not been reported in the literature in individuals affected with PNPLA6-related conditions. Algorithms developed to predict the effect of missense changes on protein structure and function (SIFT, PolyPhen-2, Align-GVGD) all suggest that this variant is likely to be tolerated. In summary, the available evidence is currently insufficient to determine the role of this variant in disease. Therefore, it has been classified as a Variant of Uncertain Significance.